The following is an entry in ClinVar:

ClinVar aggregate classification (germline): Uncertain significance (1 of 4 stars; one submission).

Conditions:
Inborn genetic diseases. Identifiers: MedGen C0950123, MeSH D030342.

Submission:

Ambry Genetics
Classification: Uncertain significance for Inborn genetic diseases. Last evaluated: 2025-03-08. Review status: criteria provided, single submitter. Criteria: Ambry Variant Classification Scheme 2023. Collection method: clinical testing. Allele origin: germline.
Comment: The p.Q576H variant (also known as c.1728G>C), located in coding exon 8 of the MECOM gene, results from a G to C substitution at nucleotide position 1728. The glutamine at codon 576 is replaced by histidine, an amino acid with highly similar properties. This amino acid position is conserved. In addition, this alteration is predicted to be tolerated by in silico analysis. Based on the available evidence, the clinical significance of this variant remains unclear.

NM_004991.4(MECOM):c.1728G>C (p.Gln576His)

Gene: MECOM (MDS1 and EVI1 complex locus; minus strand). Cytogenetic location: 3q26.2.
Variant type: single nucleotide variant.
Coding change: c.1728G>C on transcript NM_004991.4 (MANE Select); coding-DNA position 1728, G replaced by C.
Protein change: p.Gln576His; replaces glutamine 576 with histidine.
Molecular consequence: missense variant. On other transcripts: intron variant (2).
Genome position (GRCh38, 1-based): chr3:169,116,144, C>G on the plus strand (G>C on the coding strand, the complement: MECOM is on the minus strand). VCF-style: chr3-169116144-C-G. GRCh37 (hg19) VCF-style: chr3-168833932-C-G.
Other names: c.1359G>C, p.Gln453His (NM_001105077.4); c.1164G>C, p.Gln388His (NM_001105078.4, NM_001164000.2, NM_001205194.2 and 4 more transcripts); c.1167G>C, p.Gln389His (NM_001163999.2, NM_001366467.2, NM_001366468.2 and 1 more transcripts); c.1728G>C, p.Gln576His (NM_001366466.2); c.1133-377G>C (NM_001366473.2); c.569-377G>C (NM_001366474.2); short protein forms Q576H, Q453H, Q389H, Q388H.
Identifiers: ClinVar variation 3871892 (VCV003871892.1).
Genomic context (GRCh38, chr3:169,116,144, plus strand): 5'-GGTTGTTTCCAGGTCACTGCCACTTGGTGTACTGACATCATCAAGGTCACTACTCTCTGA[C>G]TGGTCACTGATTTTCTCAAAGGGCCTCTCTTCAGAGGACCTCTCGGGCTGGAGCTCCACT-3'
Protein context (NP_004982.2, residues 566-586): EERPFEKISD[Gln576His]SESSDLDDVS